The following is an entry in ClinVar:

NM_002691.4(POLD1):c.2152_2153del (p.Gln718fs)

Gene: POLD1 (DNA polymerase delta 1, catalytic subunit; plus strand). Cytogenetic location: 19q13.33.
Variant type: Microsatellite.
Coding change: c.2152_2153del on transcript NM_002691.4 (MANE Select); coding-DNA positions 2152 to 2153, 2 bases deleted (CA; older notation c.2152_2153delCA).
Protein change: p.Gln718fs; shifts the reading frame from glutamine 718.
Molecular consequence: frameshift variant. On other transcripts: non-coding transcript variant (1), intron variant (2).
Genome position (GRCh38, 1-based): chr19:50,409,664-50,409,665, CA deleted; deleting any 2 consecutive bases within chr19:50,409,662-50,409,665 gives the same sequence; the c. name uses the placement nearest the transcript's 3' end. VCF-style (leftmost placement, unchanged base first): chr19-50409661-TCA-T. GRCh37 (hg19) VCF-style: chr19-50912918-TCA-T.
Other names: c.2152_2153del, p.Gln718fs (NM_001256849.1, NM_001438212.1, NM_001438213.1); c.2230_2231del, p.Gln744fs (NM_001308632.1); c.2082+70_2082+71del (NM_001438210.1, NM_001438211.1); short protein forms Q718fs, Q744fs.
Identifiers: ClinVar variation 5026990 (VCV005026990.1).
Genomic context (GRCh38, chr19:50,409,661, plus strand): 5'-GCCAACTCCGTATACGGCTTCACTGGCGCCCAGGTGGGCAAGTTGCCGTGCCTGGAGATC[TCA>T]CAGGTGGGCACTCGGGCCCCTGGAAGGCAACTGGGGGCAGGTGGGCCCCCTGTGTAGGAG-3'

ClinVar aggregate classification (germline): Uncertain significance (1 of 4 stars; one submission).

Conditions:
Hereditary cancer-predisposing syndrome. Also called: Neoplastic Syndromes, Hereditary; Tumor predisposition; Hereditary neoplastic syndrome; Hereditary Cancer Syndrome. Identifiers: Orphanet 140162, MedGen C0027672, MeSH D009386, MONDO:0015356.

Submission:

Ambry Genetics
Classification: Uncertain significance for Hereditary cancer-predisposing syndrome. Last evaluated: 2026-07-24. Review status: criteria provided, single submitter. Criteria: Ambry Variant Classification Scheme 2023. Collection method: clinical testing. Allele origin: germline.
Comment: The c.2152_2153delCA variant, located in coding exon 16 of the POLD1 gene, results from a deletion of two nucleotides at nucleotide positions 2152 to 2153, causing a translational frameshift with a predicted alternate stop codon (p.Q718Efs*20). This variant is expected to result in protein truncation or nonsense-mediated mRNA decay. However, loss of function has not been established as a mechanism of disease. Based on the available evidence, the clinical significance of this variant remains unclear.